The following is an entry in ClinVar:

NM_000334.4(SCN4A):c.1995G>A (p.Leu665=)

Gene: SCN4A (sodium voltage-gated channel alpha subunit 4; minus strand). Cytogenetic location: 17q23.3.
Variant type: single nucleotide variant.
Coding change: c.1995G>A on transcript NM_000334.4 (MANE Select); coding-DNA position 1995, G replaced by A.
Protein change: p.Leu665=; no amino-acid change (leucine 665 retained).
Molecular consequence: synonymous variant.
Genome position (GRCh38, 1-based): chr17:63,959,289, C>T on the plus strand (G>A on the coding strand, the complement: SCN4A is on the minus strand). VCF-style: chr17-63959289-C-T. GRCh37 (hg19) VCF-style: chr17-62036649-C-T.
Identifiers: ClinVar variation 2028195 (VCV002028195.5), dbSNP rs189925781, ClinGen allele CA501225704.

ClinVar aggregate classification (germline): Likely benign. Review status: criteria provided, multiple submitters, no conflicts (2 of 4 stars). 2 submissions from 2 submitters: Likely benign (2). Last evaluated 2026-07-01.

Conditions:
Hyperkalemic periodic paralysis. Also called: Familial hyperkalemic periodic paralysis; Gamstorp disease. Identifiers: Orphanet 682, MedGen C0238357, MONDO:0008224, OMIM 170500, HP:0007215.

gnomAD v4.1: 2 of 1,613,608 alleles (0.00012%); highest among the groups gnomAD compares: Non-Finnish European, 0.00017%; no homozygotes.

Submissions (2):

CeGaT Center for Human Genetics Tuebingen
Classification: Likely benign. Last evaluated: 2026-07-01. Review status: criteria provided, single submitter. Criteria: CeGaT Center For Human Genetics Tuebingen Variant Classification Criteria Version 2. Collection method: clinical testing. Allele origin: germline. Affected: yes. Observed: 1 variant allele.
Comment: SCN4A: BP4, BP7

Labcorp Genetics (formerly Invitae), Labcorp
Classification: Likely benign for Hyperkalemic periodic paralysis. Last evaluated: 2022-09-15. Review status: criteria provided, single submitter. Criteria: Invitae Variant Classification Sherloc (09022015). Collection method: clinical testing. Allele origin: germline.